The following is an entry in ClinVar:

ClinVar aggregate classification (germline): Likely pathogenic. Review status: criteria provided, multiple submitters, no conflicts (2 of 4 stars). 2 submissions from 2 submitters: Likely pathogenic (2). Last evaluated 2026-06-16.

Conditions:
WDR72-related disorder. Also called: WDR72-related condition.
Amelogenesis imperfecta hypomaturation type 2A3. Also called: Amelogenesis imperfecta, type IIA3. Identifiers: Orphanet 88661, MedGen C2750771, MONDO:0013181, OMIM 613211. Disease mechanism: loss of function.

Submissions (2):

PreventionGenetics, part of Exact Sciences
Classification: Likely pathogenic for WDR72-related condition. Last evaluated: 2026-06-16. Review status: criteria provided, single submitter. Criteria: ACMG Guidelines, 2015. Collection method: clinical testing. Allele origin: germline.
Comment: The WDR72 c.2383_2385delinsCC variant is predicted to result in a frameshift and premature protein termination (p.Ala795Profs*17). To our knowledge, this variant has not been reported in the literature or in a large population database (gnomAD), indicating this variant is rare. Frameshift variants in WDR72 are expected to be pathogenic. This variant is interpreted as likely pathogenic.

Fulgent Genetics
Classification: Likely pathogenic for Amelogenesis imperfecta hypomaturation type 2A3. Last evaluated: 2024-06-18. Review status: criteria provided, single submitter. Criteria: ACMG Guidelines, 2015. Collection method: clinical testing. Allele origin: germline.

NM_182758.4(WDR72):c.2383_2385delinsCC (p.Ala795fs)

Gene: WDR72 (WD repeat domain 72; minus strand). Cytogenetic location: 15q21.3.
Variant type: Indel.
Coding change: c.2383_2385delinsCC on transcript NM_182758.4 (MANE Select); coding-DNA positions 2383 to 2385, GCA replaced by CC.
Protein change: p.Ala795fs; shifts the reading frame from alanine 795.
Molecular consequence: frameshift variant. On other transcripts: non-coding transcript variant (1).
Genome position (GRCh38, 1-based): chr15:53,615,821-53,615,823, TGC replaced by GG on the plus strand (GCA replaced by CC on the coding strand, the reverse complement: WDR72 is on the minus strand). VCF-style: chr15-53615821-TGC-GG. GRCh37 (hg19) VCF-style: chr15-53908018-TGC-GG.
Other names: c.2383_2385delinsCC (NM_182758.3); short protein forms A795fs.
Identifiers: ClinVar variation 3577398 (VCV003577398.2).